The following is an entry in ClinVar:

NM_032119.4(ADGRV1):c.3364dup (p.Ser1122fs)

Gene: ADGRV1 (adhesion G protein-coupled receptor V1; plus strand). Cytogenetic location: 5q14.3.
Variant type: Duplication.
Coding change: c.3364dup on transcript NM_032119.4 (MANE Select); coding-DNA position 3364, one base duplicated (T; older notation c.3364dupT).
Protein change: p.Ser1122fs; shifts the reading frame from serine 1122.
Molecular consequence: frameshift variant. On other transcripts: non-coding transcript variant (1).
Genome position (GRCh38, 1-based): chr5:90,651,678, T duplicated; the last of 6 consecutive T bases (chr5:90,651,673-90,651,678); duplicating any one gives the same sequence. VCF-style (leftmost placement, unchanged base first): chr5-90651672-A-AT. GRCh37 (hg19) VCF-style: chr5-89947489-A-AT.
Other names: short protein forms S1122fs.
Identifiers: ClinVar variation 2125215 (VCV002125215.36), dbSNP rs779424764, ClinGen allele CA3339166.

ClinVar aggregate classification (germline): Pathogenic/Likely pathogenic. Review status: criteria provided, multiple submitters, no conflicts (2 of 4 stars). 4 submissions from 4 submitters: Pathogenic (3); Likely pathogenic (1). Last evaluated 2025-04-01.

Conditions:
Febrile seizures, familial, 4 (FEB4). Also called: CONVULSIONS, FAMILIAL FEBRILE, 4. Identifiers: MedGen C1858493, MONDO:0011443, OMIM 604352.
Usher syndrome type 2C. Also called: Usher syndrome, type 2B; USHER SYNDROME, TYPE IIC. Identifiers: Orphanet 231178, Orphanet 886, MedGen C2931213, MONDO:0011558, OMIM 605472.
Usher syndrome. Also called: Usher's syndrome; Usher Syndromes. Identifiers: Orphanet 886, MedGen CN469326, MeSH D052245, MONDO:0019501. Disease mechanism: loss of function.

Submissions (4):

CeGaT Center for Human Genetics Tuebingen
Classification: Pathogenic. Last evaluated: 2025-04-01. Review status: criteria provided, single submitter. Criteria: CeGaT Center For Human Genetics Tuebingen Variant Classification Criteria Version 2. Collection method: clinical testing. Allele origin: germline. Affected: yes. Observed: 1 variant allele.
Comment: ADGRV1: PVS1, PM2

Fulgent Genetics
Classification: Likely pathogenic for Febrile seizures, familial, 4; Usher syndrome type 2C. Last evaluated: 2024-05-17. Review status: criteria provided, single submitter. Criteria: ACMG Guidelines, 2015. Collection method: clinical testing. Allele origin: germline.

Labcorp Genetics (formerly Invitae), Labcorp
Classification: Pathogenic. Last evaluated: 2024-01-21. Review status: criteria provided, single submitter. Criteria: Invitae Variant Classification Sherloc (09022015). Collection method: clinical testing. Allele origin: germline.
Comment: This sequence change creates a premature translational stop signal (p.Ser1122Phefs*15) in the ADGRV1 gene. It is expected to result in an absent or disrupted protein product. Loss-of-function variants in ADGRV1 are known to be pathogenic (PMID: 19357117, 22135276, 22147658, 26226137, 30718709, 31047384, 32467589). This variant is present in population databases (rs779424764, gnomAD 0.002%). This variant has not been reported in the literature in individuals affected with ADGRV1-related conditions. ClinVar contains an entry for this variant (Variation ID: 2125215). For these reasons, this variant has been classified as Pathogenic.

SN ONGC Dept of Genetics and Molecular biology Vision Research Foundation
Classification: Pathogenic for Usher syndrome. Last evaluated: 2022-12-31. Review status: criteria provided, single submitter. Criteria: ACMG Guidelines, 2015. Collection method: research. Allele origin: unknown. Affected: yes. Observed: 1 variant allele, 1 homozygote.

Literature cited by the submitters: PubMed 19357117 (cited by Labcorp Genetics (formerly Invitae), Labcorp); PubMed 22135276 (cited by Labcorp Genetics (formerly Invitae), Labcorp); PubMed 22147658 (cited by Labcorp Genetics (formerly Invitae), Labcorp); PubMed 26226137 (cited by Labcorp Genetics (formerly Invitae), Labcorp); PubMed 30718709 (cited by Labcorp Genetics (formerly Invitae), Labcorp); PubMed 31047384 (cited by Labcorp Genetics (formerly Invitae), Labcorp); PubMed 32467589 (cited by Labcorp Genetics (formerly Invitae), Labcorp).